The following is an entry in ClinVar:

NM_002439.5(MSH3):c.1131_1134del (p.Asn377fs)

Gene: MSH3 (mutS homolog 3; plus strand). Cytogenetic location: 5q14.1.
Variant type: Deletion.
Coding change: c.1131_1134del on transcript NM_002439.5 (MANE Select); coding-DNA positions 1131 to 1134, 4 bases deleted (TGTT; older notation c.1131_1134delTGTT).
Protein change: p.Asn377fs; shifts the reading frame from asparagine 377.
Molecular consequence: frameshift variant.
Genome position (GRCh38, 1-based): chr5:80,675,086-80,675,089, TGTT deleted. VCF-style (leftmost placement, unchanged base first): chr5-80675085-ATGTT-A. GRCh37 (hg19) VCF-style: chr5-79970904-ATGTT-A.
Other names: short protein forms N377fs.
Identifiers: ClinVar variation 1728309 (VCV001728309.2), dbSNP rs2546724363, ClinGen allele CA2580073630.

ClinVar aggregate classification (germline): Pathogenic (1 of 4 stars; one submission).

Conditions:
Hereditary cancer-predisposing syndrome. Also called: Tumor predisposition; Neoplastic Syndromes, Hereditary; Hereditary Cancer Syndrome; Hereditary neoplastic syndrome. Identifiers: Orphanet 140162, MedGen C0027672, MeSH D009386, MONDO:0015356.

Submission:

Ambry Genetics
Classification: Pathogenic for Hereditary cancer-predisposing syndrome. Last evaluated: 2021-05-13. Review status: criteria provided, single submitter. Criteria: Ambry Variant Classification Scheme 2023. Collection method: clinical testing. Allele origin: germline.
Comment: The c.1131_1134delTGTT pathogenic mutation, located in coding exon 7 of the MSH3 gene, results from a deletion of 4 nucleotides at nucleotide positions 1131 to 1134, causing a translational frameshift with a predicted alternate stop codon (p.N377Kfs*37). This alteration is expected to result in loss of function by premature protein truncation or nonsense-mediated mRNA decay. As such, this alteration is interpreted as a disease-causing mutation.